The following is an entry in ClinVar:

ClinVar aggregate classification (germline): Uncertain significance (1 of 4 stars; one submission).

Conditions:
Familial thoracic aortic aneurysm and aortic dissection (TAAD). Also called: Thoracic aortic aneurysms and dissections. Identifiers: Orphanet 91387, MedGen C4707243, MONDO:0019625.

Submission:

Ambry Genetics
Classification: Uncertain significance for Familial thoracic aortic aneurysm and aortic dissection. Last evaluated: 2021-06-22. Review status: criteria provided, single submitter. Criteria: Ambry Variant Classification Scheme 2023. Collection method: clinical testing. Allele origin: germline.
Comment: The p.A34E variant (also known as c.101C>A), located in coding exon 1 of the SMAD3 gene, results from a C to A substitution at nucleotide position 101. The alanine at codon 34 is replaced by glutamic acid, an amino acid with dissimilar properties. This amino acid position is conserved. In addition, this alteration is predicted to be deleterious by in silico analysis. Since supporting evidence is limited at this time, the clinical significance of this alteration remains unclear.

NM_005902.4(SMAD3):c.101C>A (p.Ala34Glu)

Gene: SMAD3 (SMAD family member 3; plus strand). Cytogenetic location: 15q22.33.
Variant type: single nucleotide variant.
Coding change: c.101C>A on transcript NM_005902.4 (MANE Select); coding-DNA position 101, C replaced by A.
Protein change: p.Ala34Glu; replaces alanine 34 with glutamic acid.
Molecular consequence: missense variant.
Genome position (GRCh38, 1-based): chr15:67,066,255, C>A. VCF-style: chr15-67066255-C-A. GRCh37 (hg19) VCF-style: chr15-67358593-C-A.
Other names: c.101C>A, p.Ala34Glu (NM_001407011.1, NM_001407012.1, NM_001407013.1); short protein forms A34E.
Identifiers: ClinVar variation 1754509 (VCV001754509.2), dbSNP rs2140188911, ClinGen allele CA393202892.